The following is an entry in ClinVar:

NM_002778.4(PSAP):c.346G>C (p.Val116Leu)

Gene: PSAP (prosaposin; minus strand). Cytogenetic location: 10q22.1.
Variant type: single nucleotide variant.
Coding change: c.346G>C on transcript NM_002778.4 (MANE Select); coding-DNA position 346, G replaced by C.
Protein change: p.Val116Leu; replaces valine 116 with leucine.
Molecular consequence: missense variant.
Genome position (GRCh38, 1-based): chr10:71,831,155, C>G on the plus strand (G>C on the coding strand, the complement: PSAP is on the minus strand). VCF-style: chr10-71831155-C-G. GRCh37 (hg19) VCF-style: chr10-73590912-C-G.
Other names: c.346G>C, p.Val116Leu (NM_001042465.3, NM_001042466.3); short protein forms V116L.
Identifiers: ClinVar variation 1461353 (VCV001461353.5), dbSNP rs2133048020, ClinGen allele CA377153511.

ClinVar aggregate classification (germline): Uncertain significance (1 of 4 stars; one submission).

Conditions:
Sphingolipid activator protein 1 deficiency. Also called: METACHROMATIC LEUKODYSTROPHY DUE TO CEREBROSIDE SULFATASE ACTIVATOR DEFICIENCY; Metachromatic leukodystrophy due to saposin B deficiency; Saposin B Deficiency. Identifiers: Orphanet 512, MedGen C0268262, MONDO:0009590, OMIM 249900.

Allele frequency attached by ClinVar (database versions not stated): gnomAD exomes below 0.00001.
gnomAD v4.1: 1 of 1,614,160 alleles (0.000062%); highest among the groups gnomAD compares: Non-Finnish European, 0.000085%; no homozygotes.

Submission:

Labcorp Genetics (formerly Invitae), Labcorp
Classification: Uncertain significance for Sphingolipid activator protein 1 deficiency. Last evaluated: 2022-08-23. Review status: criteria provided, single submitter. Criteria: Invitae Variant Classification Sherloc (09022015). Collection method: clinical testing. Allele origin: germline.
Comment: This sequence change replaces valine, which is neutral and non-polar, with leucine, which is neutral and non-polar, at codon 116 of the PSAP protein (p.Val116Leu). This variant is not present in population databases (gnomAD no frequency). This variant has not been reported in the literature in individuals affected with PSAP-related conditions. ClinVar contains an entry for this variant (Variation ID: 1461353). Algorithms developed to predict the effect of missense changes on protein structure and function are either unavailable or do not agree on the potential impact of this missense change (SIFT: "Not Available"; PolyPhen-2: "Possibly Damaging"; Align-GVGD: "Not Available"). In summary, the available evidence is currently insufficient to determine the role of this variant in disease. Therefore, it has been classified as a Variant of Uncertain Significance.